The following is an entry in ClinVar:

NM_001846.4(COL4A2):c.2284G>A (p.Gly762Arg)

Gene: COL4A2 (collagen type IV alpha 2 chain; plus strand). Cytogenetic location: 13q34.
Variant type: single nucleotide variant.
Coding change: c.2284G>A on transcript NM_001846.4 (MANE Select); coding-DNA position 2284, G replaced by A.
Protein change: p.Gly762Arg; replaces glycine 762 with arginine.
Molecular consequence: missense variant.
Genome position (GRCh38, 1-based): chr13:110,473,009, G>A. VCF-style: chr13-110473009-G-A. GRCh37 (hg19) VCF-style: chr13-111125356-G-A.
Other names: short protein forms G762R.
Identifiers: ClinVar variation 3893597 (VCV003893597.2).

ClinVar aggregate classification (germline): Uncertain significance. Review status: criteria provided, multiple submitters, no conflicts (2 of 4 stars). 2 submissions from 2 submitters: Uncertain significance (2). Last evaluated 2025-11-17.

gnomAD v4.1: 2 of 1,522,106 alleles (0.00013%); highest among the groups gnomAD compares: Non-Finnish European, 0.000088%; no homozygotes.

Submissions (2):

Women's Health and Genetics/Laboratory Corporation of America, LabCorp
Classification: Uncertain significance. Last evaluated: 2025-11-17. Review status: criteria provided, single submitter. Criteria: LabCorp Variant Classification Summary - May 2015. Collection method: clinical testing. Allele origin: germline.
Comment: Variant summary: COL4A2 c.2284G>A (p.Gly762Arg) results in a non-conservative amino acid change in the encoded protein sequence. Algorithms developed to predict the effect of missense changes on protein structure and function all suggest that this variant is likely to be disruptive. The variant was absent in 134754 control chromosomes. The available data on variant occurrences in the general population are insufficient to allow any conclusion about variant significance. To our knowledge, no occurrence of c.2284G>A in individuals affected with COL4A2-related conditions and no experimental evidence demonstrating its impact on protein function have been reported. ClinVar contains an entry for this variant (Variation ID: 3893597). Based on the evidence outlined above, the variant was classified as uncertain significance.

GeneDx
Classification: Uncertain significance. Last evaluated: 2024-10-25. Review status: criteria provided, single submitter. Criteria: GeneDx Variant Classification Process June 2021. Collection method: clinical testing. Allele origin: germline. Affected: yes.
Comment: Not observed at significant frequency in large population cohorts (gnomAD); In silico analysis supports that this missense variant has a deleterious effect on protein structure/function; Has not been previously published as pathogenic or benign to our knowledge